The following is an entry in ClinVar:

NM_022124.6(CDH23):c.6130G>A (p.Glu2044Lys)

Gene: CDH23 (cadherin related 23; plus strand). Cytogenetic location: 10q22.1.
Variant type: single nucleotide variant.
Coding change: c.6130G>A on transcript NM_022124.6 (MANE Select); coding-DNA position 6130, G replaced by A.
Protein change: p.Glu2044Lys; replaces glutamic acid 2044 with lysine.
Molecular consequence: missense variant.
Genome position (GRCh38, 1-based): chr10:71,791,212, G>A. VCF-style: chr10-71791212-G-A. GRCh37 (hg19) VCF-style: chr10-73550969-G-A.
Other names: p.E2044K:GAG>AAG; short protein forms E2044K.
Identifiers: ClinVar variation 46002 (VCV000046002.31), dbSNP rs10466026, ClinGen allele CA137519.

ClinVar aggregate classification (germline): Benign/Likely benign. Review status: criteria provided, multiple submitters, no conflicts (2 of 4 stars). 16 submissions from 14 submitters: Benign (12); Likely benign (1). 3 of the submissions do not count toward it. Last evaluated 2026-02-04.

Conditions:
Usher syndrome type 1 (USH1). Also called: RETINITIS PIGMENTOSA AND CONGENITAL DEAFNESS. Identifiers: Orphanet 231169, Orphanet 886, MedGen C1568247, MONDO:0010168, OMIM 276900.
Retinitis pigmentosa-deafness syndrome. Also called: Dystrophia retinae pigmentosa-dysostosis syndrome; Graefe-Usher syndrome; Hallgren syndrome; RETINITIS PIGMENTOSA 21; RETINITIS PIGMENTOSA 8; Retinitis pigmentosa 8, formerly. Identifiers: MedGen C5779620, MONDO:0010775, OMIM 500004.
Autosomal recessive nonsyndromic hearing loss 12. Also called: DEAFNESS, AUTOSOMAL RECESSIVE 12. Identifiers: Orphanet 90636, MedGen C1832394, MONDO:0011067, OMIM 601386.
Usher syndrome type 1D (USH1D). Also called: USHER SYNDROME, TYPE ID. Identifiers: Orphanet 231169, Orphanet 886, MedGen C1832845, MONDO:0010984, OMIM 601067.

Allele frequency attached by ClinVar (database versions not stated): ExAC 0.31107; 1000 Genomes Project 30x 0.33136; gnomAD 0.28561 and 0.28442; TOPMed 0.29014; gnomAD exomes 0.28882 and 0.30933; 1000 Genomes Project 0.33267; ESP Exome Variant Server 0.26548.
gnomAD v4.1: 465,323 of 1,612,844 alleles (29%); highest among the groups gnomAD compares: East Asian, 57%; 70,502 homozygotes.

Submissions (16):

Labcorp Genetics (formerly Invitae), Labcorp
Classification: Benign. Last evaluated: 2026-02-04. Review status: criteria provided, single submitter. Criteria: Invitae Variant Classification Sherloc (09022015). Collection method: clinical testing. Allele origin: germline.

Women's Health and Genetics/Laboratory Corporation of America, LabCorp
Classification: Likely benign. Last evaluated: 2025-11-14. Review status: criteria provided, single submitter. Criteria: LabCorp Variant Classification Summary - May 2015. Collection method: clinical testing. Allele origin: germline.

Genome-Nilou Lab
Classification: Benign for Usher syndrome type 1D. Last evaluated: 2021-07-01. Review status: criteria provided, single submitter. Criteria: ACMG Guidelines, 2015. Collection method: clinical testing. Allele origin: germline. Affected: no.

Genome-Nilou Lab
Classification: Benign for Autosomal recessive nonsyndromic hearing loss 12. Last evaluated: 2021-07-01. Review status: criteria provided, single submitter. Criteria: ACMG Guidelines, 2015. Collection method: clinical testing. Allele origin: germline. Affected: no.

Mayo Clinic Laboratories, Mayo Clinic
Classification: Benign. Last evaluated: 2020-10-01. Review status: criteria provided, single submitter. Criteria: ACMG Guidelines, 2015. Collection method: clinical testing. Allele origin: germline. Observed: 79 variant alleles.

Mendelics
Classification: Benign for Retinitis pigmentosa-deafness syndrome. Last evaluated: 2019-05-28. Review status: criteria provided, single submitter. Criteria: Mendelics Assertion Criteria 2017. Collection method: clinical testing. Allele origin: unknown.

Illumina Laboratory Services, Illumina
Classification: Benign for Autosomal recessive nonsyndromic hearing loss 12. Last evaluated: 2018-01-13. Review status: criteria provided, single submitter. Criteria: ICSL Variant Classification Criteria 13 December 2019. Collection method: clinical testing. Allele origin: germline.
Comment: This variant was observed in the ICSL laboratory as part of a predisposition screen in an ostensibly healthy population. It had not been previously curated by ICSL or reported in the Human Gene Mutation Database (HGMD: prior to June 1st, 2018), and was therefore a candidate for classification through an automated scoring system. Utilizing variant allele frequency, disease prevalence and penetrance estimates, and inheritance mode, an automated score was calculated to assess if this variant is too frequent to cause the disease. Based on the score and internal cut-off values, a variant classified as benign is not then subjected to further curation. The score for this variant resulted in a classification of benign for this disease.

Illumina Laboratory Services, Illumina
Classification: Benign for Usher syndrome type 1D. Last evaluated: 2018-01-13. Review status: criteria provided, single submitter. Criteria: ICSL Variant Classification Criteria 13 December 2019. Collection method: clinical testing. Allele origin: germline.
Comment: the same text as in the submission from Illumina Laboratory Services, Illumina above.

Eurofins Ntd Llc (ga)
Classification: Benign. Last evaluated: 2014-01-30. Review status: criteria provided, single submitter. Criteria: EGL Classification Definitions 2015. Collection method: clinical testing. Allele origin: germline. Observed: 1 variant allele, 1 heterozygote.

GeneDx
Classification: Benign. Last evaluated: 2013-01-08. Review status: criteria provided, single submitter. Criteria: GeneDx Variant Classification (06012015). Collection method: clinical testing. Allele origin: germline. Affected: yes.
Comment: This variant is considered likely benign or benign based on one or more of the following criteria: it is a conservative change, it occurs at a poorly conserved position in the protein, it is predicted to be benign by multiple in silico algorithms, and/or has population frequency not consistent with disease.

Laboratory for Molecular Medicine, Mass General Brigham Personalized Medicine
Classification: Benign. Last evaluated: 2009-06-12. Review status: criteria provided, single submitter. Criteria: LMM Criteria. Collection method: clinical testing. Allele origin: germline. Observed: 1,061 variant alleles.

Breakthrough Genomics
Classification: Benign. Review status: criteria provided, single submitter. Criteria: ACMG Guidelines, 2015. Collection method: not provided. Allele origin: germline. Inheritance: Autosomal recessive inheritance. Affected: yes.

PreventionGenetics, part of Exact Sciences
Classification: Benign. Review status: criteria provided, single submitter. Criteria: ACMG Guidelines, 2015. Collection method: clinical testing. Allele origin: germline.

Natera, Inc.
Classification: Benign for Usher syndrome type 1. Last evaluated: 2020-09-16. Review status: no assertion criteria provided. Collection method: clinical testing. Allele origin: germline. Not counted in ClinVar's aggregate classification.

Clinical Genetics DNA and cytogenetics Diagnostics Lab, Erasmus MC, Erasmus Medical Center
Classification: Benign. Review status: no assertion criteria provided. Collection method: clinical testing. Allele origin: germline. Affected: yes. Study: VKGL Data-share Consensus. Not counted in ClinVar's aggregate classification.

Joint Genome Diagnostic Labs from Nijmegen and Maastricht, Radboudumc and MUMC+
Classification: Benign. Review status: no assertion criteria provided. Collection method: clinical testing. Allele origin: germline. Affected: yes. Study: VKGL Data-share Consensus. Not counted in ClinVar's aggregate classification.